The following is an entry in ClinVar:

ClinVar aggregate classification (germline): Conflicting classifications of pathogenicity. Review status: criteria provided, conflicting classifications (1 of 4 stars). 10 submissions from 10 submitters: Uncertain significance (1); Benign (1); Likely benign (5). 3 of the submissions do not count toward it. Last evaluated 2026-02-03.

Conditions:
PEX12-related disorder. Also called: PEX12-related condition; PEX12-related disorders.
Inborn genetic diseases. Identifiers: MedGen C0950123, MeSH D030342.
Peroxisome biogenesis disorder 3A (Zellweger). Also called: Peroxisome biogenesis disorder 3A; PEROXISOMAL BIOGENESIS DISORDER 3A (ZELLWEGER). Identifiers: Orphanet 912, MedGen C3553929, MONDO:0013927, OMIM 614859.

Allele frequency attached by ClinVar (database versions not stated): TOPMed 0.00185; 1000 Genomes Project 0.00060; gnomAD exomes 0.00246 and 0.00188; 1000 Genomes Project 30x 0.00047; gnomAD 0.00173 and 0.00180; ESP Exome Variant Server 0.00215; ExAC 0.00208.

Submissions (13):

Labcorp Genetics (formerly Invitae), Labcorp
Classification: Likely benign for Peroxisome biogenesis disorder 3A (Zellweger). Last evaluated: 2026-02-03. Review status: criteria provided, single submitter. Criteria: Invitae Variant Classification Sherloc (09022015). Collection method: clinical testing. Allele origin: germline.

Mayo Clinic Laboratories, Mayo Clinic
Classification: Likely benign. Last evaluated: 2025-04-01. Review status: criteria provided, single submitter. Criteria: ACMG Guidelines, 2015. Collection method: clinical testing. Allele origin: germline. Observed: 3 variant alleles.
Comment: BS1

Blueprint Genetics
Classification: Likely benign. Last evaluated: 2024-11-26. Review status: criteria provided, single submitter. Criteria: ACMG Guidelines, 2015. Collection method: clinical testing. Allele origin: germline.

Ambry Genetics
Classification: Likely benign for Inborn genetic diseases. Last evaluated: 2022-05-26. Review status: criteria provided, single submitter. Criteria: Ambry Variant Classification Scheme 2023. Collection method: clinical testing. Allele origin: germline.

Illumina Laboratory Services, Illumina
Classification: Uncertain significance for Peroxisome biogenesis disorder 3A (Zellweger). Last evaluated: 2018-01-13. Review status: criteria provided, single submitter. Criteria: ICSL Variant Classification Criteria 13 December 2019. Collection method: clinical testing. Allele origin: germline.

Genomic Diagnostic Laboratory, Division of Genomic Diagnostics, Children's Hospital of Philadelphia
Classification: Likely benign. Last evaluated: 2015-07-20. Review status: criteria provided, single submitter. Criteria: DGD Variant Analysis Guidelines. Collection method: clinical testing. Allele origin: unknown.

Eurofins Ntd Llc (ga)
Classification: Benign. Last evaluated: 2013-03-12. Review status: criteria provided, single submitter. Criteria: EGL Classification Definitions 2015. Collection method: clinical testing. Allele origin: germline. Observed: 2 variant alleles, 2 heterozygotes.

PreventionGenetics, part of Exact Sciences
Classification: Likely benign for PEX12-related condition. Last evaluated: 2021-04-20. Review status: no assertion criteria provided. Collection method: clinical testing. Allele origin: germline. Not counted in ClinVar's aggregate classification.
Comment: This variant is classified as likely benign based on ACMG/AMP sequence variant interpretation guidelines (Richards et al. 2015 PMID: 25741868, with internal and published modifications).

Clinical Genetics DNA and cytogenetics Diagnostics Lab, Erasmus MC, Erasmus Medical Center
Classification: Likely benign. Review status: no assertion criteria provided. Collection method: clinical testing. Allele origin: germline. Affected: yes. Study: VKGL Data-share Consensus. Not counted in ClinVar's aggregate classification.

Diagnostic Laboratory, Department of Genetics, University Medical Center Groningen
Classification: Likely benign. Review status: no assertion criteria provided. Collection method: clinical testing. Allele origin: germline. Affected: yes. Study: VKGL Data-share Consensus. Not counted in ClinVar's aggregate classification.

Dr. Peter K. Rogan Lab, Western University
No classification provided (evidence only). Condition: Familial cancer of breast. Review status: no classification provided. Collection method: in vitro. Allele origin: not applicable. Functional consequence: retained intron. Not counted in ClinVar's aggregate classification.

Dr. Peter K. Rogan Lab, Western University
No classification provided (evidence only). Condition: Thyroid cancer, nonmedullary, 1. Review status: no classification provided. Collection method: in vitro. Allele origin: not applicable. Functional consequence: retained intron. Not counted in ClinVar's aggregate classification.

Dr. Peter K. Rogan Lab, Western University
No classification provided (evidence only). Condition: Sarcoma. Review status: no classification provided. Collection method: in vitro. Allele origin: not applicable. Functional consequence: retained intron. Not counted in ClinVar's aggregate classification.

NM_000286.3(PEX12):c.451C>T (p.Arg151Cys)

Gene: PEX12 (peroxisomal biogenesis factor 12; minus strand). Cytogenetic location: 17q12.
Variant type: single nucleotide variant.
Coding change: c.451C>T on transcript NM_000286.3 (MANE Select); coding-DNA position 451, C replaced by T.
Protein change: p.Arg151Cys; replaces arginine 151 with cysteine.
Molecular consequence: missense variant.
Genome position (GRCh38, 1-based): chr17:35,577,267, G>A on the plus strand (C>T on the coding strand, the complement: PEX12 is on the minus strand). VCF-style: chr17-35577267-G-A. GRCh37 (hg19) VCF-style: chr17-33904286-G-A.
Other names: short protein forms R151C.
Identifiers: ClinVar variation 92774 (VCV000092774.27), dbSNP rs138731505, ClinGen allele CA145996.